The following is an entry in ClinVar:

ClinVar aggregate classification (germline): Pathogenic (1 of 4 stars; one submission).

Submission:

Labcorp Genetics (formerly Invitae), Labcorp
Classification: Pathogenic. Last evaluated: 2023-12-30. Review status: criteria provided, single submitter. Criteria: Invitae Variant Classification Sherloc (09022015). Collection method: clinical testing. Allele origin: germline.
Comment: This sequence change creates a premature translational stop signal (p.Gln514*) in the SLC26A4 gene. It is expected to result in an absent or disrupted protein product. Loss-of-function variants in SLC26A4 are known to be pathogenic (PMID: 16283880, 25394566, 26252218, 26445815). This variant is not present in population databases (gnomAD no frequency). This premature translational stop signal has been observed in individual(s) with profound nonsyndromic hearing loss (PMID: 28786104). For these reasons, this variant has been classified as Pathogenic.

Literature cited by the submitters: PubMed 16283880; PubMed 25394566; PubMed 26252218; PubMed 26445815; PubMed 28786104.

NM_000441.2(SLC26A4):c.1540C>T (p.Gln514Ter)

Gene: SLC26A4 (solute carrier family 26 member 4; plus strand). Cytogenetic location: 7q22.3.
Variant type: single nucleotide variant.
Coding change: c.1540C>T on transcript NM_000441.2 (MANE Select); coding-DNA position 1540, C replaced by T.
Protein change: p.Gln514Ter; replaces glutamine 514 with a stop codon.
Molecular consequence: nonsense.
Genome position (GRCh38, 1-based): chr7:107,696,035, C>T. VCF-style: chr7-107696035-C-T. GRCh37 (hg19) VCF-style: chr7-107336480-C-T.
Other names: short protein forms Q514*.
Identifiers: ClinVar variation 2735070 (VCV002735070.3), dbSNP rs121908366, ClinGen allele CA368841380.